The following is an entry in ClinVar:

ClinVar aggregate classification (germline): Uncertain significance (1 of 4 stars; one submission).

Conditions:
Cardiomyopathy (CMYO). Also called: Cardiomyopathies. Identifiers: Orphanet 167848, MedGen C0878544, MONDO:0004994, HP:0001638. Inheritance: Various modes of inheritance.

Submission:

Color Diagnostics, LLC DBA Color Health
Classification: Uncertain significance for Cardiomyopathy. Last evaluated: 2025-07-17. Review status: criteria provided, single submitter. Criteria: ACMG Guidelines, 2015. Collection method: clinical testing. Allele origin: germline.
Comment: This missense variant replaces glycine with serine at codon 264 of the RYR2 protein. Computational prediction is inconclusive regarding the impact of this variant on protein structure and function. To our knowledge, functional studies have not been reported for this variant. This variant has not been reported in individuals affected with RYR2-related disorders in the literature. This variant has not been identified in the general population by the Genome Aggregation Database (gnomAD). The available evidence is insufficient to determine the role of this variant in disease conclusively. Therefore, this variant is classified as a Variant of Uncertain Significance.

NM_001035.3(RYR2):c.790G>A (p.Gly264Ser)

Gene: RYR2 (ryanodine receptor 2; plus strand). Cytogenetic location: 1q43.
Variant type: single nucleotide variant.
Coding change: c.790G>A on transcript NM_001035.3 (MANE Select); coding-DNA position 790, G replaced by A.
Protein change: p.Gly264Ser; replaces glycine 264 with serine.
Molecular consequence: missense variant.
Genome position (GRCh38, 1-based): chr1:237,417,065, G>A. VCF-style: chr1-237417065-G-A. GRCh37 (hg19) VCF-style: chr1-237580365-G-A.
Other names: short protein forms G264S.
Identifiers: ClinVar variation 4757734 (VCV004757734.1).
Genomic context (GRCh38, chr1:237,417,065, plus strand): 5'-CATGTTTAACTCACATTTGGGCTTTTGTTTGTTTGTTGAAACAGAACTGTTCATTATGAA[G>A]GTGGCGCTGTGTCTGTTCATGCACGTTCCCTTTGGAGACTAGAGACGCTAAGAGTTGCGT-3'
Protein context (NP_001026.2, residues 254-274): EEQRRTVHYE[Gly264Ser]GAVSVHARSL